The following is an entry in ClinVar:

ClinVar aggregate classification (germline): Pathogenic/Likely pathogenic. Review status: criteria provided, multiple submitters, no conflicts (2 of 4 stars). 4 submissions from 4 submitters: Pathogenic (2); Likely pathogenic (2). Last evaluated 2025-02-18.

Conditions:
Hereditary nonpolyposis colorectal neoplasms. Identifiers: MedGen C0009405, MeSH D003123.
Hereditary cancer-predisposing syndrome. Also called: Hereditary Cancer Syndrome; Hereditary neoplastic syndrome; Neoplastic Syndromes, Hereditary; Tumor predisposition. Identifiers: Orphanet 140162, MedGen C0027672, MeSH D009386, MONDO:0015356.
Lynch syndrome 5 (LYNCH5). Also called: Hereditary non-polyposis colorectal cancer, type 5; Colorectal cancer, hereditary nonpolyposis, type 5. Identifiers: Orphanet 144, MedGen C1833477, MONDO:0013710, OMIM 614350. Disease mechanism: loss of function.

Submissions (4):

Molecular Diagnostics Laboratory, Catalan Institute of Oncology
Classification: Pathogenic for Hereditary cancer-predisposing syndrome. Last evaluated: 2025-02-18. Review status: criteria provided, single submitter. Criteria: MMR VCEP Paper Draft V3.1. Collection method: clinical testing. Allele origin: germline.
Comment: PVS1, PM2_Supporting, PP4_Strong c.3801+1_3801+5del, located in a canonic splicing site of the MSH6 gene, is predicted to alter splicing, probably causing the skipping of exon 8 (r.3647_3801del, p.Arg1217Metfs*6). This alteration is expected to result in loss of function by premature protein truncation and nonsense-mediated mRNA decay (PVS1). It is not present in the population database gnomAD v2.1.1, non cancer dataset (PM2_supporting). MSH6 c.3801+1_3801+5del has been reported in three EC or CRC tumors with loss of MSH6 MMR protein expression consistent with the variant location (LOVD case #00188537 and one patient from our clinical cohort) (PP4_Strong). To our knowledge, no well-stablished functional studies have been reported for this variant. In addition, the variant is reported in the ClinVar (2x likely pathogenic, 1x pathogenic) and LOVD (1x uncertain significance, 4x pathogenic) databases, but it is not reported in InSiGHT databases. Based on the currently available information, c.3801+1_3801+5del is classified as a pathogenic variant according to ClinGen-MMR Guidelines Draft version v3.1.

Myriad Genetics, Inc.
Classification: Likely pathogenic for Lynch syndrome 5. Last evaluated: 2023-08-25. Review status: criteria provided, single submitter. Criteria: Myriad Autosomal Dominant, Autosomal Recessive and X-Linked Classification Criteria (2023). Collection method: clinical testing. Allele origin: unknown.
Comment: This variant is considered likely pathogenic. This variant occurs within a consensus splice junction and is predicted to result in abnormal mRNA splicing of either an out-of-frame exon or an in-frame exon necessary for protein stability and/or normal function.

Labcorp Genetics (formerly Invitae), Labcorp
Classification: Likely pathogenic for Hereditary nonpolyposis colorectal neoplasms. Last evaluated: 2022-02-19. Review status: criteria provided, single submitter. Criteria: Invitae Variant Classification Sherloc (09022015). Collection method: clinical testing. Allele origin: germline.
Comment: This variant is not present in population databases (gnomAD no frequency). This sequence change affects a splice site in intron 8 of the MSH6 gene. It is expected to disrupt RNA splicing. Variants that disrupt the donor or acceptor splice site typically lead to a loss of protein function (PMID: 16199547), and loss-of-function variants in MSH6 are known to be pathogenic (PMID: 18269114, 24362816). Disruption of this splice site has been observed in individual(s) with constitutional mismatch repair deficiency syndrome (PMID: 26200421). In summary, the currently available evidence indicates that the variant is pathogenic, but additional data are needed to prove that conclusively. Therefore, this variant has been classified as Likely Pathogenic. Algorithms developed to predict the effect of sequence changes on RNA splicing suggest that this variant may disrupt the consensus splice site. ClinVar contains an entry for this variant (Variation ID: 455287).

Ambry Genetics
Classification: Pathogenic for Hereditary cancer-predisposing syndrome. Last evaluated: 2018-11-02. Review status: criteria provided, single submitter. Criteria: Ambry Variant Classification Scheme 2023. Collection method: clinical testing. Allele origin: germline.
Comment: The c.3801+1_3801+5delGTATG intronic variant, located in intron 8 of the MSH6 gene, results from a deletion of 5 nucleotides within intron 8 of the MSH6 gene. In addition, this alteration was detected in a compound heterozygous state with an MSH6 nonsense mutation in a patient with CMMRD (Jongmans MC et al. Ned Tijdschr Geneeskd, 2015;159:A8602; personal communication). These nucleotide positions are well conserved in available vertebrate species. Using the BDGP and ESEfinder splice site prediction tools, this alteration is predicted to abolish the native splice donor site; however, direct evidence is unavailable. In addition to the clinical data presented in the literature, alterations that disrupt the canonical splice site are expected to cause aberrant splicing, resulting in an abnormal protein or a transcript that is subject to nonsense-mediated mRNA decay. As such, this alteration is classified as a disease-causing mutation.

Literature cited by the submitters: PubMed 16199547 (cited by Labcorp Genetics (formerly Invitae), Labcorp); PubMed 18269114 (cited by Labcorp Genetics (formerly Invitae), Labcorp); PubMed 24362816 (cited by Labcorp Genetics (formerly Invitae), Labcorp); PubMed 26200421 (cited by Labcorp Genetics (formerly Invitae), Labcorp and Ambry Genetics).

NM_000179.3(MSH6):c.3801+1_3801+5del

Gene: MSH6 (mutS homolog 6; plus strand). Cytogenetic location: 2p16.3.
Variant type: Deletion.
Coding change: c.3801+1_3801+5del on transcript NM_000179.3 (MANE Select); the canonical splice donor site of the intron after coding-DNA position 3801 through 5 bases into the intron after coding-DNA position 3801, 5 bases deleted (GTATG; older notation c.3801+1_3801+5delGTATG).
Molecular consequence: splice donor variant.
Genome position (GRCh38, 1-based): chr2:47,806,359-47,806,363, GTATG deleted; deleting any 5 consecutive bases within chr2:47,806,355-47,806,363 gives the same sequence; the c. name uses the placement nearest the transcript's 3' end. VCF-style (leftmost placement, unchanged base first): chr2-47806354-ATATGG-A. GRCh37 (hg19) VCF-style: chr2-48033493-ATATGG-A.
Other names: c.2895+1_2895+5del (NM_001281493.2, NM_001281494.2); c.3411+1_3411+5del (NM_001281492.2); c.3801+1_3801+5delGTATG (NM_000179.2).
Identifiers: ClinVar variation 455287 (VCV000455287.13), dbSNP rs1553333175, ClinGen allele CA658655740.